The following is an entry in ClinVar:

NM_006231.4(POLE):c.3612T>G (p.Ser1204Arg)

Gene: POLE (DNA polymerase epsilon, catalytic subunit; minus strand). Cytogenetic location: 12q24.33.
Variant type: single nucleotide variant.
Coding change: c.3612T>G on transcript NM_006231.4 (MANE Select); coding-DNA position 3612, T replaced by G.
Protein change: p.Ser1204Arg; replaces serine 1204 with arginine.
Molecular consequence: missense variant.
Genome position (GRCh38, 1-based): chr12:132,649,860, A>C on the plus strand (T>G on the coding strand, the complement: POLE is on the minus strand). VCF-style: chr12-132649860-A-C. GRCh37 (hg19) VCF-style: chr12-133226446-A-C.
Other names: c.3612T>G (NM_006231.2); short protein forms S1204R.
Identifiers: ClinVar variation 577998 (VCV000577998.14), dbSNP rs773580533, ClinGen allele CA6893158.

ClinVar aggregate classification (germline): Conflicting classifications of pathogenicity. Review status: criteria provided, conflicting classifications (1 of 4 stars). 4 submissions from 4 submitters: Uncertain significance (3); Likely benign (1). Last evaluated 2026-01-27.

Conditions:
Intrauterine growth retardation, metaphyseal dysplasia, adrenal hypoplasia congenita, genital anomalies, and immunodeficiency. Also called: IMAGEI SYNDROME. Identifiers: MedGen C5193036, MONDO:0032684, OMIM 618336.
Facial dysmorphism-immunodeficiency-livedo-short stature syndrome. Also called: FILS syndrome; Facial dysmorphism, immunodeficiency, livedo, and short stature. Identifiers: Orphanet 352712, MedGen C3554576, MONDO:0014058, OMIM 615139.
Colorectal cancer, susceptibility to, 12 (CRCS12). Also called: COLORECTAL CANCER, SUSCEPTIBILITY TO, ON CHROMOSOME 12q24. Identifiers: Orphanet 220460, MedGen C3554460, MONDO:0014038, OMIM 615083.
Hereditary cancer-predisposing syndrome. Also called: Tumor predisposition; Hereditary neoplastic syndrome; Hereditary Cancer Syndrome; Neoplastic Syndromes, Hereditary. Identifiers: Orphanet 140162, MedGen C0027672, MeSH D009386, MONDO:0015356.

Allele frequency attached by ClinVar (database versions not stated): ExAC 0.00001; gnomAD 0.00001; TOPMed 0.00001; gnomAD exomes 0.00002 and 0.00003.
gnomAD v4.1: 42 of 1,613,986 alleles (0.0026%); highest among the groups gnomAD compares: Non-Finnish European, 0.0035%; no homozygotes.

Submissions (4):

Labcorp Genetics (formerly Invitae), Labcorp
Classification: Uncertain significance. Last evaluated: 2026-01-27. Review status: criteria provided, single submitter. Criteria: Invitae Variant Classification Sherloc (09022015). Collection method: clinical testing. Allele origin: germline.
Comment: This sequence change replaces serine, which is neutral and polar, with arginine, which is basic and polar, at codon 1204 of the POLE protein (p.Ser1204Arg). This variant is present in population databases (rs773580533, gnomAD 0.003%). This variant has not been reported in the literature in individuals affected with POLE-related conditions. ClinVar contains an entry for this variant (Variation ID: 577998). Invitae Evidence Modeling of protein sequence and biophysical properties (such as structural, functional, and spatial information, amino acid conservation, physicochemical variation, residue mobility, and thermodynamic stability) indicates that this missense variant is not expected to disrupt POLE protein function with a negative predictive value of 80%. In summary, the available evidence is currently insufficient to determine the role of this variant in disease. Therefore, it has been classified as a Variant of Uncertain Significance.

Ambry Genetics
Classification: Likely benign for Hereditary cancer-predisposing syndrome. Last evaluated: 2024-03-28. Review status: criteria provided, single submitter. Criteria: Ambry Variant Classification Scheme 2023. Collection method: clinical testing. Allele origin: germline.

GeneDx
Classification: Uncertain significance. Last evaluated: 2023-11-09. Review status: criteria provided, single submitter. Criteria: GeneDx Variant Classification Process June 2021. Collection method: clinical testing. Allele origin: germline. Affected: yes.
Comment: Not observed at significant frequency in large population cohorts (gnomAD); In silico analysis supports that this missense variant does not alter protein structure/function; Has not been previously published as pathogenic or benign to our knowledge

Fulgent Genetics
Classification: Uncertain significance for Colorectal cancer, susceptibility to, 12; Facial dysmorphism-immunodeficiency-livedo-short stature syndrome; Intrauterine growth retardation, metaphyseal dysplasia, adrenal hypoplasia congenita, genital anomalies, and immunodeficiency. Last evaluated: 2022-04-04. Review status: criteria provided, single submitter. Criteria: ACMG Guidelines, 2015. Collection method: clinical testing. Allele origin: unknown.